The following is an entry in ClinVar:

ClinVar aggregate classification (germline): Benign/Likely benign. Review status: criteria provided, multiple submitters, no conflicts (2 of 4 stars). 3 submissions from 3 submitters: Benign (1); Likely benign (2). Last evaluated 2025-05-15.

Conditions:
Hereditary nonpolyposis colorectal neoplasms. Identifiers: MedGen C0009405, MeSH D003123.
Hereditary cancer-predisposing syndrome. Also called: Neoplastic Syndromes, Hereditary; Hereditary neoplastic syndrome; Tumor predisposition; Hereditary Cancer Syndrome. Identifiers: Orphanet 140162, MedGen C0027672, MeSH D009386, MONDO:0015356.
Lynch syndrome 4 (LYNCH4). Also called: Hereditary non-polyposis colorectal cancer, type 4; Colorectal cancer, hereditary nonpolyposis, type 4. Identifiers: Orphanet 144, MedGen C1838333, MONDO:0013699, OMIM 614337. Disease mechanism: loss of function.

Allele frequency attached by ClinVar (database versions not stated): gnomAD exomes 0.00001.
gnomAD v4.1: 8 of 1,611,584 alleles (0.0005%); highest among the groups gnomAD compares: African/African-American, 0.0013%; no homozygotes.

Submissions (3):

Labcorp Genetics (formerly Invitae), Labcorp
Classification: Likely benign for Hereditary nonpolyposis colorectal neoplasms. Last evaluated: 2025-05-15. Review status: criteria provided, single submitter. Criteria: Invitae Variant Classification Sherloc (09022015). Collection method: clinical testing. Allele origin: germline.

Myriad Genetics, Inc.
Classification: Benign for Lynch syndrome 4. Last evaluated: 2025-01-27. Review status: criteria provided, single submitter. Criteria: Myriad Autosomal Dominant, Autosomal Recessive and X-Linked Classification Criteria (2023). Collection method: clinical testing. Allele origin: unknown.
Comment: This variant is considered benign. This variant is a silent/synonymous amino acid change and it is not expected to impact splicing.

Ambry Genetics
Classification: Likely benign for Hereditary cancer-predisposing syndrome. Last evaluated: 2019-08-01. Review status: criteria provided, single submitter. Criteria: Ambry Variant Classification Scheme 2023. Collection method: clinical testing. Allele origin: germline.

NM_000535.7(PMS2):c.504G>A (p.Val168=)

Gene: PMS2 (PMS1 homolog 2, mismatch repair system component; minus strand). Cytogenetic location: 7p22.1.
Variant type: single nucleotide variant.
Coding change: c.504G>A on transcript NM_000535.7 (MANE Select); coding-DNA position 504, G replaced by A.
Protein change: p.Val168=; no amino-acid change (valine 168 retained).
Molecular consequence: synonymous variant. On other transcripts: 5 prime UTR variant (2), non-coding transcript variant (1).
Genome position (GRCh38, 1-based): chr7:6,002,486, C>T on the plus strand (G>A on the coding strand, the complement: PMS2 is on the minus strand). VCF-style: chr7-6002486-C-T. GRCh37 (hg19) VCF-style: chr7-6042117-C-T.
Other names: c.99G>A, p.Val33= (NM_001322003.2, NM_001322004.2, NM_001322005.2 and 3 more transcripts); c.504G>A, p.Val168= (NM_001322006.2, NM_001322014.2); c.186G>A, p.Val62= (NM_001322007.2, NM_001322008.2); c.-381G>A (NM_001322011.2, NM_001322012.2); c.195G>A, p.Val65= (NM_001322015.2).
Identifiers: ClinVar variation 237918 (VCV000237918.13), dbSNP rs878854053, ClinGen allele CA10582526.
Genomic context (GRCh38, chr7:6,002,486, plus strand): 5'-TTGAAAACCAGGATTAATTTACTGTACCTTCTTAATATTCCTTTGAAATTCCTTATGGCG[C>T]ACAGGTAGTGTGGAAAATAACTGCTGCACGCTGACTGTGGTCCCTCTGGGGCGGGGGTAG-3'
Protein context (NP_000526.2, residues 158-178): SVQQLFSTLP[Val168=]RHKEFQRNIK